The following is an entry in ClinVar:

ClinVar aggregate classification (germline): Likely pathogenic (1 of 4 stars; one submission).

Conditions:
Brachydactyly type B1 (BDB1). Identifiers: Orphanet 572385, Orphanet 93383, MedGen C1862112, MONDO:0007220, OMIM 113000.

Submission:

Victorian Clinical Genetics Services, Murdoch Childrens Research Institute
Classification: Likely pathogenic for Brachydactyly type B1. Last evaluated: 2025-07-09. Review status: criteria provided, single submitter. Criteria: ACMG Guidelines, 2015. Collection method: clinical testing. Allele origin: germline. Affected: yes.
Comment: This variant is classified as Likely pathogenic. Evidence in support of pathogenic classification: Variant is predicted to result in a truncated protein (premature termination codon is NOT located at least 54 nucleotides upstream of the final exon-exon junction) with less than 1/3 of the protein sequence affected; Variant is absent from gnomAD (v2, v3 and v4); This variant has limited evidence for segregation with disease. Other truncating variant(s) comparable to the one identified in this case have strong previous evidence for pathogenicity. Three downstream truncating variant have been classified as pathogenic or likely pathogenic in ClinVar, or reported in the literature (PMIDs: 25696018, 23238279) Additional information: This variant is heterozygous; This gene is associated with both recessive and dominant disease (OMIM); This variant has no previous evidence of pathogenicity; No published functional evidence has been identified for this variant; Loss of function and gain of function are known mechanisms of disease in this gene. Loss of function variants including truncating variants within the kinase domain are associated with autosomal recessive Robinow syndrome (MIM#268310). Gain of function truncating variants that start before or after the kinase domain are associated with autosomal dominant brachydactyly, type B1 (MIM#113000) (PMIDs: 12815588, 23238279, 20301418).

Literature cited by the submitters: PubMed 12815588; PubMed 23238279; PubMed 25696018; PubMed 20301418.

NM_004560.4(ROR2):c.2265delinsTT (p.Tyr755_Asn756insTer)

Gene: ROR2 (receptor tyrosine kinase like orphan receptor 2; minus strand). Cytogenetic location: 9q22.31.
Variant type: Indel.
Coding change: c.2265delinsTT on transcript NM_004560.4 (MANE Select); coding-DNA position 2265, C replaced by TT.
Protein change: p.Tyr755_Asn756insTer.
Molecular consequence: frameshift variant.
Genome position (GRCh38, 1-based): chr9:91,724,229, G replaced by AA on the plus strand (C replaced by TT on the coding strand, the reverse complement: ROR2 is on the minus strand). VCF-style: chr9-91724229-G-AA. GRCh37 (hg19) VCF-style: chr9-94486511-G-AA.
Identifiers: ClinVar variation 4532131 (VCV004532131.1).